The following is an entry in ClinVar:

ClinVar aggregate classification (germline): Likely benign (0 of 4 stars; one submission).

Conditions:
WDR26-related disorder. Also called: WDR26-related condition.

Allele frequency attached by ClinVar (database versions not stated): gnomAD 0.00001.
gnomAD v4.1: 1 of 1,613,538 alleles (0.000062%); highest among the groups gnomAD compares: African/African-American, 0.0013%; no homozygotes.

Submission:

PreventionGenetics, part of Exact Sciences
Classification: Likely benign for WDR26-related condition. Last evaluated: 2019-03-16. Review status: no assertion criteria provided. Collection method: clinical testing. Allele origin: germline.
Comment: This variant is classified as likely benign based on ACMG/AMP sequence variant interpretation guidelines (Richards et al. 2015 PMID: 25741868, with internal and published modifications).

NM_001379403.1(WDR26):c.1488A>G (p.Thr496=)

Gene: WDR26 (WD repeat domain 26; minus strand). Cytogenetic location: 1q42.12.
Variant type: single nucleotide variant.
Coding change: c.1488A>G on transcript NM_001379403.1 (MANE Select); coding-DNA position 1488, A replaced by G.
Protein change: p.Thr496=; no amino-acid change (threonine 496 retained).
Molecular consequence: synonymous variant.
Genome position (GRCh38, 1-based): chr1:224,404,541, T>C on the plus strand (A>G on the coding strand, the complement: WDR26 is on the minus strand). VCF-style: chr1-224404541-T-C. GRCh37 (hg19) VCF-style: chr1-224592243-T-C.
Other names: c.1140A>G, p.Thr380= (NM_001115113.3); c.1188A>G, p.Thr396= (NM_025160.7).
Identifiers: ClinVar variation 3047556 (VCV003047556.2), dbSNP rs1673500565, ClinGen allele CA423609892.